The following is an entry in ClinVar:

NM_020778.5(ALPK3):c.2606C>T (p.Ser869Phe)

Gene: ALPK3 (alpha kinase 3; plus strand). Cytogenetic location: 15q25.3.
Variant type: single nucleotide variant.
Coding change: c.2606C>T on transcript NM_020778.5 (MANE Select); coding-DNA position 2606, C replaced by T.
Protein change: p.Ser869Phe; replaces serine 869 with phenylalanine.
Molecular consequence: missense variant.
Genome position (GRCh38, 1-based): chr15:84,857,344, C>T. VCF-style: chr15-84857344-C-T. GRCh37 (hg19) VCF-style: chr15-85400575-C-T.
Other names: short protein forms S869F.
Identifiers: ClinVar variation 3631113 (VCV003631113.2).
Genomic context (GRCh38, chr15:84,857,344, plus strand): 5'-GTATGGATCAGGGTGGCTGTCCTCTAGCTGGCCTGAGCCAGGAGGTACCCACGATGCCTT[C>T]TCTTCCTGGAACTGGGCTGACAGCTAGCCCAAAGGCGGGGCCGTGTAGCACCCCGACTTC-3'
Protein context (NP_065829.4, residues 859-879): GLSQEVPTMP[Ser869Phe]LPGTGLTASP

ClinVar aggregate classification (germline): Uncertain significance (1 of 4 stars; one submission).

Submission:

Labcorp Genetics (formerly Invitae), Labcorp
Classification: Uncertain significance. Last evaluated: 2024-07-02. Review status: criteria provided, single submitter. Criteria: Invitae Variant Classification Sherloc (09022015). Collection method: clinical testing. Allele origin: germline.
Comment: This sequence change replaces serine, which is neutral and polar, with phenylalanine, which is neutral and non-polar, at codon 1071 of the ALPK3 protein (p.Ser1071Phe). This variant is not present in population databases (gnomAD no frequency). This variant has not been reported in the literature in individuals affected with ALPK3-related conditions. An algorithm developed to predict the effect of missense changes on protein structure and function (PolyPhen-2) suggests that this variant is likely to be tolerated. In summary, the available evidence is currently insufficient to determine the role of this variant in disease. Therefore, it has been classified as a Variant of Uncertain Significance.